The following is an entry in ClinVar:

ClinVar aggregate classification (germline): Uncertain significance. Review status: criteria provided, multiple submitters, no conflicts (2 of 4 stars). 2 submissions from 2 submitters: Uncertain significance (2). Last evaluated 2024-07-05.

Allele frequency attached by ClinVar (database versions not stated): gnomAD exomes below 0.00001.
gnomAD v4.1: 1 of 1,543,280 alleles (0.000065%); highest among the groups gnomAD compares: Non-Finnish European, 0.000087%; no homozygotes.

Submissions (2):

Mayo Clinic Laboratories, Mayo Clinic
Classification: Uncertain significance. Last evaluated: 2024-07-05. Review status: criteria provided, single submitter. Criteria: ACMG Guidelines, 2015. Collection method: clinical testing. Allele origin: germline. Observed: 2 variant alleles.
Comment: PP3, PM2, PS1_supporting, PS4_supporting

GeneDx
Classification: Uncertain significance. Last evaluated: 2022-09-07. Review status: criteria provided, single submitter. Criteria: GeneDx Variant Classification Process June 2021. Collection method: clinical testing. Allele origin: germline. Affected: yes.
Comment: Intronic +5 splice site variant in a gene for which loss-of-function is a known mechanism of disease, and both splice predictors and evolutionary conservation support a deleterious effect, although in the absence of functional evidence the actual effect of this sequence change is unknown.; Not observed at significant frequency in large population cohorts (gnomAD); Has not been previously published as pathogenic or benign to our knowledge

NM_001009944.3(PKD1):c.7065+5G>C

Gene: PKD1 (polycystin 1, transient receptor potential channel interacting; minus strand). Cytogenetic location: 16p13.3.
Variant type: single nucleotide variant.
Coding change: c.7065+5G>C on transcript NM_001009944.3 (MANE Select); 5 bases into the intron after coding-DNA position 7065, G replaced by C.
Molecular consequence: intron variant.
Genome position (GRCh38, 1-based): chr16:2,107,878, C>G on the plus strand (G>C on the coding strand, the complement: PKD1 is on the minus strand). VCF-style: chr16-2107878-C-G. GRCh37 (hg19) VCF-style: chr16-2157879-C-G.
Other names: c.7065+5G>C (NM_000296.4).
Identifiers: ClinVar variation 1705006 (VCV001705006.3), dbSNP rs2544795023, ClinGen allele CA2580090964.